The following is an entry in ClinVar:

ClinVar aggregate classification (germline): Benign/Likely benign. Review status: criteria provided, multiple submitters, no conflicts (2 of 4 stars). 3 submissions from 3 submitters: Benign (1); Likely benign (2). Last evaluated 2025-05-07.

Conditions:
Hereditary cancer-predisposing syndrome. Also called: Neoplastic Syndromes, Hereditary; Tumor predisposition; Hereditary Cancer Syndrome; Hereditary neoplastic syndrome. Identifiers: Orphanet 140162, MedGen C0027672, MeSH D009386, MONDO:0015356.
Pheochromocytoma/paraganglioma syndrome 3. Also called: GLOMUS TUMORS, FAMILIAL, 3; Paragangliomas 3; SDHC-Related Hereditary Paraganglioma-Pheochromocytoma Syndrome (Paragangliomas 3); SDHC-Related Hereditary Paraganglioma-Pheochromocytoma Syndrome. Identifiers: Orphanet 29072, MedGen C1854336, MONDO:0011544, OMIM 605373.
Gastrointestinal stromal tumor. Also called: Gastrointestinal stromal tumor, somatic; Gastrointestinal stroma tumor. Identifiers: Orphanet 44890, MedGen C0238198, MeSH D046152, MONDO:0011719, OMIM 606764, HP:0100723.

Allele frequency attached by ClinVar (database versions not stated): gnomAD exomes below 0.00001.
gnomAD v4.1: 2 of 1,614,122 alleles (0.00012%); highest among the groups gnomAD compares: Non-Finnish European, 0.00017%; no homozygotes.

Submissions (3):

Labcorp Genetics (formerly Invitae), Labcorp
Classification: Likely benign for Pheochromocytoma/paraganglioma syndrome 3; Gastrointestinal stromal tumor. Last evaluated: 2025-05-07. Review status: criteria provided, single submitter. Criteria: Invitae Variant Classification Sherloc (09022015). Collection method: clinical testing. Allele origin: germline.

Myriad Genetics, Inc.
Classification: Benign for Pheochromocytoma/paraganglioma syndrome 3. Last evaluated: 2025-03-17. Review status: criteria provided, single submitter. Criteria: Myriad Autosomal Dominant, Autosomal Recessive and X-Linked Classification Criteria (2023). Collection method: clinical testing. Allele origin: unknown.
Comment: This variant is considered benign. This variant is a silent/synonymous amino acid change and it is not expected to impact splicing.

Ambry Genetics
Classification: Likely benign for Hereditary cancer-predisposing syndrome. Last evaluated: 2024-03-23. Review status: criteria provided, single submitter. Criteria: Ambry Variant Classification Scheme 2023. Collection method: clinical testing. Allele origin: germline.

NM_003001.5(SDHC):c.357A>G (p.Ala119=)

Gene: SDHC (succinate dehydrogenase complex subunit C; plus strand). Cytogenetic location: 1q23.3.
Variant type: single nucleotide variant.
Coding change: c.357A>G on transcript NM_003001.5 (MANE Select); coding-DNA position 357, A replaced by G.
Protein change: p.Ala119=; no amino-acid change (alanine 119 retained).
Molecular consequence: synonymous variant. On other transcripts: non-coding transcript variant (1), intron variant (3).
Genome position (GRCh38, 1-based): chr1:161,356,792, A>G. VCF-style: chr1-161356792-A-G. GRCh37 (hg19) VCF-style: chr1-161326582-A-G.
Other names: c.255A>G, p.Ala85= (NM_001035512.3); c.198A>G, p.Ala66= (NM_001035513.3); c.477A>G, p.Ala159= (NM_001407115.1); c.300A>G, p.Ala100= (NM_001407116.1); c.294A>G, p.Ala98= (NM_001407117.1); c.249A>G, p.Ala83= (NM_001407118.1); c.246A>G, p.Ala82= (NM_001407119.1, NM_001407120.1); c.242-5537A>G (NM_001035511.3); and 2 more.
Identifiers: ClinVar variation 1642883 (VCV001642883.11), dbSNP rs2102371098, ClinGen allele CA421501076.